The following is an entry in ClinVar:

NM_000384.3(APOB):c.9639C>A (p.Asn3213Lys)

Gene: APOB (apolipoprotein B; minus strand). Cytogenetic location: 2p24.1.
Variant type: single nucleotide variant.
Coding change: c.9639C>A on transcript NM_000384.3 (MANE Select); coding-DNA position 9639, C replaced by A.
Protein change: p.Asn3213Lys; replaces asparagine 3213 with lysine.
Molecular consequence: missense variant.
Genome position (GRCh38, 1-based): chr2:21,007,229, G>T on the plus strand (C>A on the coding strand, the complement: APOB is on the minus strand). VCF-style: chr2-21007229-G-T. GRCh37 (hg19) VCF-style: chr2-21230101-G-T.
Other names: short protein forms N3213K.
Identifiers: ClinVar variation 402375 (VCV000402375.25), dbSNP rs574725520, ClinGen allele CA066714.
Genomic context (GRCh38, chr2:21,007,229, plus strand): 5'-GTACTTATCAAACTTAATTTTTGTTTCATTATAGGATTTGGTGACAAAATCTAATGCATT[G>T]TTTCTGTTTTTTTCAAAATGCCTGTCAAAGGATTTGATGCTCTGACTGATAAACTCACAA-3'
Protein context (NP_000375.3, residues 3203-3223): SFDRHFEKNR[Asn3213Lys]NALDFVTKSY

ClinVar aggregate classification (germline): Conflicting classifications of pathogenicity. Review status: criteria provided, conflicting classifications (1 of 4 stars). 6 submissions from 6 submitters: Uncertain significance (3); Benign (1); Likely benign (2). Last evaluated 2026-01-27.

Conditions:
Cardiovascular phenotype. Identifiers: MedGen CN230736.
Hypercholesterolemia, autosomal dominant, type B (FHCL2). Also called: APOB-Related Familial Hypercholesterolemia, Autosomal Dominant; Familial Hypercholesterolemia Type B; APOLIPOPROTEIN B-100, FAMILIAL DEFECTIVE; APOLIPOPROTEIN B-100, FAMILIAL LIGAND-DEFECTIVE; Hyperlipoproteinemia Type IIb; Familial hypercholesterolemia 2. Identifiers: MedGen C1704417, MONDO:0007751, OMIM 144010.
Familial hypobetalipoproteinemia 1. Also called: APOB-Related Familial Hypobetalipoproteinemia; Hypobetalipoproteinemia, normotriglyceridemic; Acanthocytosis with hypobetalipoproteinemia. Identifiers: MedGen C4551990, MONDO:0014252, OMIM 615558.
Hypercholesterolemia, familial, 1. Also called: LDL RECEPTOR DISORDER; Hyperlipoproteinemia Type IIa; HYPER-LOW-DENSITY-LIPOPROTEINEMIA; HYPERCHOLESTEROLEMIC XANTHOMATOSIS, FAMILIAL; Fredrickson type IIa hyperlipoproteinemia; Hyperlipoproteinemia type 2. Identifiers: Orphanet 391665, MedGen C0745103, MONDO:0007750, OMIM 143890.

Allele frequency attached by ClinVar (database versions not stated): TOPMed 0.00001; 1000 Genomes Project 30x 0.00016; 1000 Genomes Project 0.00020; ExAC 0.00023; gnomAD exomes 0.00025.
gnomAD v4.1: 216 of 1,613,324 alleles (0.013%); highest among the groups gnomAD compares: South Asian, 0.23%; no homozygotes.

Submissions (6):

Labcorp Genetics (formerly Invitae), Labcorp
Classification: Likely benign for Familial hypobetalipoproteinemia 1; Hypercholesterolemia, autosomal dominant, type B. Last evaluated: 2026-01-27. Review status: criteria provided, single submitter. Criteria: Invitae Variant Classification Sherloc (09022015). Collection method: clinical testing. Allele origin: germline.

Ambry Genetics
Classification: Benign for Cardiovascular phenotype. Last evaluated: 2025-12-31. Review status: criteria provided, single submitter. Criteria: Ambry Variant Classification Scheme 2023. Collection method: clinical testing. Allele origin: germline.

Women's Health and Genetics/Laboratory Corporation of America, LabCorp
Classification: Likely benign. Last evaluated: 2024-02-28. Review status: criteria provided, single submitter. Criteria: LabCorp Variant Classification Summary - May 2015. Collection method: clinical testing. Allele origin: germline.

Robarts Research Institute, Western University
Classification: Uncertain significance for Hypercholesterolemia, familial, 1. Last evaluated: 2018-01-02. Review status: criteria provided, single submitter. Criteria: ACMG Guidelines, 2015. Collection method: clinical testing. Allele origin: germline. Inheritance: Autosomal dominant inheritance. Affected: yes.

Eurofins Ntd Llc (ga)
Classification: Uncertain significance. Last evaluated: 2016-09-28. Review status: criteria provided, single submitter. Criteria: EGL Classification Definitions 2015. Collection method: clinical testing. Allele origin: germline. Observed: 1 variant allele, 1 heterozygote.

Laboratory for Molecular Medicine, Mass General Brigham Personalized Medicine
Classification: Uncertain significance. Last evaluated: 2016-03-28. Review status: criteria provided, single submitter. Criteria: LMM Criteria. Collection method: clinical testing. Allele origin: germline.
Comment: Variant identified in a genome or exome case(s) and assessed due to predicted null impact of the variant or pathogenic assertions in the literature or databases. Disclaimer: This variant has not undergone full assessment. The following are preliminary notes: 1 paper, no segs, ExAC: 0.2% (28/16492) South Asian chromosomes

Literature cited by the submitters: PubMed 23375686 (cited by Ambry Genetics).